The following is an entry in ClinVar:

ClinVar aggregate classification (germline): Likely benign. Review status: criteria provided, multiple submitters, no conflicts (2 of 4 stars). 3 submissions from 3 submitters: Likely benign (3). Last evaluated 2025-07-31.

Conditions:
Wilms tumor 1 (WT1). Also called: Wilms tumor, somatic. Identifiers: Orphanet 654, MedGen CN033288, MONDO:0008679, OMIM 194070.
Drash syndrome (DDS). Also called: NEPHROPATHY, WILMS TUMOR, AND GENITAL ANOMALIES; WILMS TUMOR AND PSEUDO- OR TRUE HERMAPHRODITISM. Identifiers: Orphanet 220, MedGen C0950121, MONDO:0008682, OMIM 194080.
11p partial monosomy syndrome (WAGR). Also called: WAGR Spectrum Disorder; CHROMOSOME 11p13 DELETION SYNDROME; WAGR syndrome; WAGR Complex. Identifiers: Orphanet 893, MedGen C0206115, MONDO:0008681, OMIM 194072.
Frasier syndrome. Identifiers: Orphanet 347, MedGen C0950122, MeSH D052159, MONDO:0007635, OMIM 136680.
Inborn genetic diseases. Identifiers: MedGen C0950123, MeSH D030342.

Allele frequency attached by ClinVar (database versions not stated): gnomAD exomes below 0.00001; TOPMed below 0.00001.
gnomAD v4.1: 1 of 1,521,788 alleles (0.000066%); highest among the groups gnomAD compares: Non-Finnish European, 0.000088%; no homozygotes.

Submissions (3):

Labcorp Genetics (formerly Invitae), Labcorp
Classification: Likely benign for Wilms tumor 1; Drash syndrome; 11p partial monosomy syndrome; Frasier syndrome. Last evaluated: 2025-07-31. Review status: criteria provided, single submitter. Criteria: Invitae Variant Classification Sherloc (09022015). Collection method: clinical testing. Allele origin: germline.

Ambry Genetics
Classification: Likely benign for Inborn genetic diseases. Last evaluated: 2025-02-07. Review status: criteria provided, single submitter. Criteria: Ambry Variant Classification Scheme 2023. Collection method: clinical testing. Allele origin: germline.

All of Us Research Program, National Institutes of Health
Classification: Likely benign for Wilms tumor 1. Last evaluated: 2023-08-28. Review status: criteria provided, single submitter. Criteria: ACMG Guidelines, 2015. Collection method: clinical testing. Allele origin: germline. Inheritance: Autosomal dominant inheritance. Observed: 1 variant allele, 1 heterozygote.
Comment: This study involves interpretation of variants in research participants for the purpose of population health screening. Participant phenotype was not available at the time of variant classification. Additional details can be found in publication PMID: 35346344, PMCID: PMC8962531

NM_024426.6(WT1):c.204G>A (p.Gly68=)

Genes: WT1 (WT1 transcription factor; minus strand), LOC107982234 (WT1/WT1-AS bi-directional promoter region; plus strand). Cytogenetic location: 11p13.
Variant type: single nucleotide variant.
Coding change: c.204G>A on transcript NM_024426.6 (MANE Select); coding-DNA position 204, G replaced by A.
Protein change: p.Gly68=; no amino-acid change (glycine 68 retained).
Molecular consequence: synonymous variant. On other transcripts: non-coding transcript variant (1).
Genome position (GRCh38, 1-based): chr11:32,435,157, C>T on the plus strand (G>A on the coding strand, the complement: WT1 is on the minus strand). VCF-style: chr11-32435157-C-T. GRCh37 (hg19) VCF-style: chr11-32456703-C-T.
Other names: c.204G>A, p.Gly68= (NM_000378.6, NM_024424.5).
Identifiers: ClinVar variation 476693 (VCV000476693.13), dbSNP rs1554946680, ClinGen allele CA473774155.